The following is an entry in ClinVar:

ClinVar aggregate classification (germline): Pathogenic (1 of 4 stars; one submission).

Submission:

Labcorp Genetics (formerly Invitae), Labcorp
Classification: Pathogenic. Last evaluated: 2026-01-26. Review status: criteria provided, single submitter. Criteria: Invitae Variant Classification Sherloc (09022015). Collection method: clinical testing. Allele origin: germline.
Comment: This sequence change creates a premature translational stop signal (p.Leu1208*) in the COL4A4 gene. It is expected to result in an absent or disrupted protein product. Loss-of-function variants in COL4A4 are known to be pathogenic (PMID: 21196518, 24854265, 25307543). This variant is not present in population databases (gnomAD no frequency). This premature translational stop signal has been observed in individual(s) with clinical features of Alport syndrome (PMID: 39278986). For these reasons, this variant has been classified as Pathogenic.

Literature cited by the submitters: PubMed 21196518; PubMed 24854265; PubMed 25307543; PubMed 39278986.

NM_000092.5(COL4A4):c.3622del (p.Gly1207_Leu1208insTer)

Gene: COL4A4 (collagen type IV alpha 4 chain; minus strand). Cytogenetic location: 2q36.3.
Variant type: Deletion.
Coding change: c.3622del on transcript NM_000092.5 (MANE Select); coding-DNA position 3622, one base deleted (C; older notation c.3622delC).
Protein change: p.Gly1207_Leu1208insTer.
Molecular consequence: nonsense.
Genome position (GRCh38, 1-based): chr2:227,032,232, G deleted on the plus strand (C on the coding strand, the reverse complement: COL4A4 is on the minus strand). VCF-style (leftmost placement, unchanged base first): chr2-227032231-AG-A. GRCh37 (hg19) VCF-style: chr2-227896947-AG-A.
Identifiers: ClinVar variation 4736207 (VCV004736207.1).
Genomic context (GRCh38, chr2:227,032,231, plus strand): 5'-TTTCCACGAGGACCTGGAGGAGAGATTCCTGGGCTCCCAGGGTCTCCTCTCTCCCCTTTT[AG>A]CCCAGGTATTCCCACTGGACCAGGTGGCCCCACATCATGCAAACCTTAATGGGGAAAACA-3'